The following is an entry in ClinVar:

ClinVar aggregate classification (germline): Uncertain significance (1 of 4 stars; one submission).

Conditions:
Pyogenic arthritis-pyoderma gangrenosum-acne syndrome (PAPA). Also called: FAMILIAL RECURRENT ARTHRITIS; PAPA SYNDROME. Identifiers: Orphanet 69126, MedGen C1858361, MONDO:0011462, OMIM 604416.

Allele frequency attached by ClinVar (database versions not stated): ExAC 0.00001; gnomAD exomes 0.00002.
gnomAD v4.1: 6 of 1,611,892 alleles (0.00037%); highest among the groups gnomAD compares: East Asian, 0.013%; no homozygotes.

Submission:

Labcorp Genetics (formerly Invitae), Labcorp
Classification: Uncertain significance for Pyogenic arthritis-pyoderma gangrenosum-acne syndrome. Last evaluated: 2025-11-25. Review status: criteria provided, single submitter. Criteria: Invitae Variant Classification Sherloc (09022015). Collection method: clinical testing. Allele origin: germline.
Comment: This sequence change replaces asparagine, which is neutral and polar, with histidine, which is basic and polar, at codon 374 of the PSTPIP1 protein (p.Asn374His). This variant is present in population databases (rs757828114, gnomAD 0.02%). This variant has not been reported in the literature in individuals affected with PSTPIP1-related conditions. ClinVar contains an entry for this variant (Variation ID: 1467047). An algorithm developed to predict the effect of missense changes on protein structure and function (PolyPhen-2) suggests that this variant is likely to be tolerated. In summary, the available evidence is currently insufficient to determine the role of this variant in disease. Therefore, it has been classified as a Variant of Uncertain Significance.

NM_003978.5(PSTPIP1):c.1120A>C (p.Asn374His)

Gene: PSTPIP1 (proline-serine-threonine phosphatase interacting protein 1; plus strand). Cytogenetic location: 15q24.3.
Variant type: single nucleotide variant.
Coding change: c.1120A>C on transcript NM_003978.5 (MANE Select); coding-DNA position 1120, A replaced by C.
Protein change: p.Asn374His; replaces asparagine 374 with histidine.
Molecular consequence: missense variant. On other transcripts: non-coding transcript variant (1).
Genome position (GRCh38, 1-based): chr15:77,037,045, A>C. VCF-style: chr15-77037045-A-C. GRCh37 (hg19) VCF-style: chr15-77329386-A-C.
Other names: c.1063A>C, p.Asn355His (NM_001321135.2); c.1093A>C, p.Asn365His (NM_001321136.2); c.1315A>C, p.Asn439His (NM_001321137.1); short protein forms N355H, N365H, N374H, N439H.
Identifiers: ClinVar variation 1467047 (VCV001467047.6), dbSNP rs757828114, ClinGen allele CA7676199.